The following is an entry in ClinVar:

NM_000071.3(CBS):c.233C>G (p.Pro78Arg)

Gene: CBS (cystathionine beta-synthase; minus strand). Cytogenetic location: 21q22.3.
Variant type: single nucleotide variant.
Coding change: c.233C>G on transcript NM_000071.3 (MANE Select); coding-DNA position 233, C replaced by G.
Protein change: p.Pro78Arg; replaces proline 78 with arginine.
Molecular consequence: missense variant.
Genome position (GRCh38, 1-based): chr21:43,068,592, G>C on the plus strand (C>G on the coding strand, the complement: CBS is on the minus strand). VCF-style: chr21-43068592-G-C. GRCh37 (hg19) VCF-style: chr21-44488702-G-C.
Other names: c.233C>G, p.Pro78Arg (NM_001178008.3, NM_001178009.3, NM_001320298.2); short protein forms P78R.
Identifiers: ClinVar variation 188988 (VCV000188988.7), dbSNP rs786204608, ClinGen allele CA274218.
Genomic context (GRCh38, chr21:43,068,592, plus strand): 5'-TTCTTCCCAATCTTGTTGATTCTGACCATAGGGGTGTCCCCGATTTTCTTCAGAATATCT[G>C]GCAAGATTTTTGGAGATTTTGCCCTGAAACAGAGGAGTCCACAATTATTCAGGAAAAAAA-3'
Protein context (NP_000062.1, residues 68-88): TAPAKSPKIL[Pro78Arg]DILKKIGDTP

ClinVar aggregate classification (germline): Uncertain significance. Review status: criteria provided, multiple submitters, no conflicts (2 of 4 stars). 4 submissions from 4 submitters: Uncertain significance (3). 1 of the submissions does not count toward it. Last evaluated 2023-03-15.

Conditions:
Familial thoracic aortic aneurysm and aortic dissection (TAAD). Also called: Thoracic aortic aneurysms and dissections. Identifiers: Orphanet 91387, MedGen C4707243, MONDO:0019625.
Classic homocystinuria. Also called: Homocystinuria due to Cystathionine Beta-Synthase Deficiency; HOMOCYSTINURIA WITH OR WITHOUT RESPONSE TO PYRIDOXINE; Homocystinuria due to CBS deficiency; Cystathionine beta-synthase deficiency; CBS deficiency. Identifiers: Orphanet 394, MedGen C0751202, MONDO:0009352, OMIM 236200.
HYPERHOMOCYSTEINEMIA, THROMBOTIC, CBS-RELATED. Identifiers: MedGen C3150344, OMIM 236200.

Allele frequency attached by ClinVar (database versions not stated): gnomAD exomes below 0.00001.

Submissions (4):

Women's Health and Genetics/Laboratory Corporation of America, LabCorp
Classification: Uncertain significance. Last evaluated: 2023-03-15. Review status: criteria provided, single submitter. Criteria: LabCorp Variant Classification Summary - May 2015. Collection method: clinical testing. Allele origin: germline.
Comment: Variant summary: CBS c.233C>G (p.Pro78Arg) results in a non-conservative amino acid change in the encoded protein sequence. Four of five in-silico tools predict a damaging effect of the variant on protein function. The variant allele was found at a frequency of 4e-06 in 251194 control chromosomes. c.233C>G has been reported in the literature as a complex allele in cis alongside c.306G>C (p.Lys102Asn) in a biparentally confirmed compound heterozygous genotype with c.715G>A (p.E239K) (not reported in ClinVar) in trans in two affected siblings with features of Homocystinuria and their unaffected brother (deFranchis_1994). These report(s) do not provide unequivocal conclusions about association of the variant with Homocystinuria. Multiple publications report conflicting variant specific experimental evidence evaluating an impact on protein function in vitro (example, deFranchis_1994, Sen_2007, Mayfield_2012, Hnizda_2012, Melenovska_2015, Majtan_2010). The most pronounced variant effect results in CBS activities ranging from 10%-<30%, 30-50% or >50-90% of normal depending upon the expression systems and kinetic parameters evaluated (Ecoli, Yeast, CHO-K1 cells). The complex allele of Pro78Arg+Lys102Asn expressed in cis had 0% activity (deFranchis_1994). Two clinical diagnostic laboratories have submitted clinical-significance assessments for this variant to ClinVar after 2014 without evidence for independent evaluation. All laboratories classified the variant as uncertain significance. Based on the evidence outlined above, the variant was classified as uncertain significance.

Labcorp Genetics (formerly Invitae), Labcorp
Classification: Uncertain significance for HYPERHOMOCYSTEINEMIA, THROMBOTIC, CBS-RELATED. Last evaluated: 2022-06-14. Review status: criteria provided, single submitter. Criteria: Invitae Variant Classification Sherloc (09022015). Collection method: clinical testing. Allele origin: germline.
Comment: This sequence change replaces proline, which is neutral and non-polar, with arginine, which is basic and polar, at codon 78 of the CBS protein (p.Pro78Arg). This variant is present in population databases (rs786204608, gnomAD 0.0009%). This missense change has been observed in individual(s) with CBS deficiency (PMID: 7967489). ClinVar contains an entry for this variant (Variation ID: 188988). Algorithms developed to predict the effect of missense changes on protein structure and function are either unavailable or do not agree on the potential impact of this missense change (SIFT: "Tolerated"; PolyPhen-2: "Possibly Damaging"; Align-GVGD: "Class C0"). Experimental studies are conflicting or provide insufficient evidence to determine the effect of this variant on CBS function (PMID: 7981678, 20308073, 22612060, 25331909). In summary, the available evidence is currently insufficient to determine the role of this variant in disease. Therefore, it has been classified as a Variant of Uncertain Significance.

Ambry Genetics
Classification: Uncertain significance for Familial thoracic aortic aneurysm and aortic dissection. Last evaluated: 2018-06-21. Review status: criteria provided, single submitter. Criteria: Ambry Variant Classification Scheme 2023. Collection method: clinical testing. Allele origin: germline.
Comment: The p.P78R variant (also known as c.233C>G), located in coding exon 2 of the CBS gene, results from a C to G substitution at nucleotide position 233. The proline at codon 78 is replaced by arginine, an amino acid with dissimilar properties. This alteration was reported as occurring in cis with p.K102N as a complex allele [P78R:K102N] in three siblings with homocystinuria who had p.E239K in trans. The same study also reported that the complex allele led to abolished CBS activity, while the individual variants resulted in reduced activity (de Franchis R et al. Hum. Mol. Genet., 1994 Jul;3:1103-8). The double variant was revealed to lose AdoMet-dependent regulation (Sen S et al. Biochemistry, 2007 Apr;46:4110-6). In addition, follow-up research suggested that the reduced activity of the individual variants might be rescued to some extent by improving protein folding (Kozich V et al. Hum. Mutat., 2010 Jul;31:809-19; Kopeck&aacute; J et al. J. Inherit. Metab. Dis., 2011 Feb;34:39-48). However, in yeast assays, this alteration was described to behave similarly to wildtype (Mayfield JA et al. Genetics, 2012 Apr;190:1309-23), and no obvious biophysical difference has been observed (Majtan T et al. J. Biol. Chem., 2010 May;285:15866-73; Hn&iacute;zda A et al. Biochemistry, 2012 Jun;51:4755-63; Pey AL et al. Biochem. J., 2013 Jan;449:109-21). This amino acid position is highly conserved in available vertebrate species. In addition, this alteration is predicted to be deleterious by in silico analysis. Since supporting evidence is limited at this time, the clinical significance of this variant remains unclear.

Counsyl
Classification: Likely pathogenic for Homocystinuria due to CBS deficiency. Last evaluated: 2014-09-26. Review status: no assertion criteria provided. Collection method: literature only. Allele origin: unknown. Inheritance: Autosomal recessive inheritance. Not counted in ClinVar's aggregate classification.

Literature cited by the submitters: PubMed 22267502 (cited by 3 submitters); PubMed 22612060 (cited by 4 submitters); PubMed 25331909 (cited by Women's Health and Genetics/Laboratory Corporation of America, LabCorp and Labcorp Genetics (formerly Invitae), Labcorp); PubMed 7967489 (cited by 4 submitters); PubMed 20308073 (cited by 4 submitters); PubMed 17352495 (cited by 3 submitters); PubMed 7981678 (cited by 4 submitters); PubMed 20490928 (cited by Ambry Genetics and Counsyl); PubMed 20506325 (cited by Ambry Genetics and Counsyl); PubMed 22985361 (cited by Ambry Genetics and Counsyl); PubMed 12686134 (cited by Counsyl); PubMed 17069888 (cited by Counsyl).